The following is an entry in ClinVar:

NM_022725.4(FANCF):c.873A>G (p.Lys291=)

Gene: FANCF (FA complementation group F; minus strand). Cytogenetic location: 11p14.3.
Variant type: single nucleotide variant.
Coding change: c.873A>G on transcript NM_022725.4 (MANE Select); coding-DNA position 873, A replaced by G.
Protein change: p.Lys291=; no amino-acid change (lysine 291 retained).
Molecular consequence: synonymous variant.
Genome position (GRCh38, 1-based): chr11:22,624,938, T>C on the plus strand (A>G on the coding strand, the complement: FANCF is on the minus strand). VCF-style: chr11-22624938-T-C. GRCh37 (hg19) VCF-style: chr11-22646484-T-C.
Identifiers: ClinVar variation 695885 (VCV000695885.29), dbSNP rs757578045, ClinGen allele CA5924240.

ClinVar aggregate classification (germline): Conflicting classifications of pathogenicity. Review status: criteria provided, conflicting classifications (1 of 4 stars). 4 submissions from 4 submitters: Uncertain significance (1); Likely benign (3). Last evaluated 2026-01-25.

Conditions:
Fanconi anemia (FA). Also called: Fanconi's anemia. Identifiers: Orphanet 84, MedGen C0015625, MeSH D005199, MONDO:0019391.

Allele frequency attached by ClinVar (database versions not stated): gnomAD 0.00004 and 0.00005; gnomAD exomes 0.00006 and 0.00008; ExAC 0.00007; TOPMed 0.00010.
gnomAD v4.1: 102 of 1,614,046 alleles (0.0063%); highest among the groups gnomAD compares: Middle Eastern, 0.23%; no homozygotes.

Submissions (4):

Labcorp Genetics (formerly Invitae), Labcorp
Classification: Likely benign for Fanconi anemia. Last evaluated: 2026-01-25. Review status: criteria provided, single submitter. Criteria: Invitae Variant Classification Sherloc (09022015). Collection method: clinical testing. Allele origin: germline.

CeGaT Center for Human Genetics Tuebingen
Classification: Likely benign. Last evaluated: 2024-12-01. Review status: criteria provided, single submitter. Criteria: CeGaT Center For Human Genetics Tuebingen Variant Classification Criteria Version 2. Collection method: clinical testing. Allele origin: germline. Affected: yes. Observed: 2 variant alleles.
Comment: FANCF: BP4, BP7

Blueprint Genetics
Classification: Likely benign. Last evaluated: 2024-07-23. Review status: criteria provided, single submitter. Criteria: ACMG Guidelines, 2015. Collection method: clinical testing. Allele origin: germline.

Genetic Services Laboratory, University of Chicago
Classification: Uncertain significance. Last evaluated: 2018-03-22. Review status: criteria provided, single submitter. Criteria: ACMG Guidelines, 2015. Collection method: clinical testing. Allele origin: germline. Affected: no.